The following is an entry in ClinVar:

ClinVar aggregate classification (germline): Uncertain significance (1 of 4 stars; one submission).

Allele frequency attached by ClinVar (database versions not stated): gnomAD exomes below 0.00001 and 0.00004; gnomAD 0.00001; TOPMed 0.00003.

Submission:

Labcorp Genetics (formerly Invitae), Labcorp
Classification: Uncertain significance. Last evaluated: 2025-01-01. Review status: criteria provided, single submitter. Criteria: Invitae Variant Classification Sherloc (09022015). Collection method: clinical testing. Allele origin: germline.
Comment: This sequence change falls in intron 22 of the SEC24D gene. It does not directly change the encoded amino acid sequence of the SEC24D protein. It affects a nucleotide within the consensus splice site. This variant is present in population databases (no rsID available, gnomAD 0.001%). This variant has not been reported in the literature in individuals affected with SEC24D-related conditions. ClinVar contains an entry for this variant (Variation ID: 1442023). Variants that disrupt the consensus splice site are a relatively common cause of aberrant splicing (PMID: 17576681, 9536098). Algorithms developed to predict the effect of sequence changes on RNA splicing suggest that this variant is not likely to affect RNA splicing. In summary, the available evidence is currently insufficient to determine the role of this variant in disease. Therefore, it has been classified as a Variant of Uncertain Significance.

Literature cited by the submitters: PubMed 17576681; PubMed 9536098.

NM_014822.4(SEC24D):c.2959-3del

Gene: SEC24D (SEC24 homolog D, COPII component; minus strand). Cytogenetic location: 4q26.
Variant type: Deletion.
Coding change: c.2959-3del on transcript NM_014822.4 (MANE Select); 3 bases into the intron before coding-DNA position 2959, one base deleted (T; older notation c.2959-3delT).
Molecular consequence: intron variant.
Genome position (GRCh38, 1-based): chr4:118,723,658, A deleted on the plus strand (T on the coding strand, the reverse complement: SEC24D is on the minus strand). VCF-style (leftmost placement, unchanged base first): chr4-118723657-TA-T. GRCh37 (hg19) VCF-style: chr4-119644812-TA-T.
Other names: c.2962-3del (NM_001318066.2).
Identifiers: ClinVar variation 1442023 (VCV001442023.6), dbSNP rs1317925665, ClinGen allele CA554152953.
Genomic context (GRCh38, chr4:118,723,657, plus strand): 5'-TCTACCAGGAACTGTCGGAAAACCATTTCTGGTTGTTCTCGCTGCTTTACAATTGTGAGC[TA>T]GGAAAAAAAAAACAAAACAGTAACAGCCCCTGGTTATAAACATTATTTGAAAATGGGTCA-3'